The following is an entry in ClinVar:

ClinVar aggregate classification (germline): Pathogenic (1 of 4 stars; one submission).

Conditions:
Hereditary hemochromatosis (HFE). Identifiers: MedGen C0392514, MONDO:0006507. Disease mechanism: loss of function.

Submission:

Labcorp Genetics (formerly Invitae), Labcorp
Classification: Pathogenic for Hereditary hemochromatosis. Last evaluated: 2022-09-19. Review status: criteria provided, single submitter. Criteria: Invitae Variant Classification Sherloc (09022015). Collection method: clinical testing. Allele origin: germline.
Comment: For these reasons, this variant has been classified as Pathogenic. Algorithms developed to predict the effect of sequence changes on RNA splicing suggest that this variant may create or strengthen a splice site. This variant has not been reported in the literature in individuals affected with HFE-related conditions. This variant is not present in population databases (gnomAD no frequency). This sequence change creates a premature translational stop signal (p.Gln278*) in the HFE gene. It is expected to result in an absent or disrupted protein product. Loss-of-function variants in HFE are known to be pathogenic (PMID: 27518069).

Literature cited by the submitters: PubMed 27518069.

NM_000410.4(HFE):c.832C>T (p.Gln278Ter)

Gene: HFE (homeostatic iron regulator; plus strand). Cytogenetic location: 6p22.2.
Variant type: single nucleotide variant.
Coding change: c.832C>T on transcript NM_000410.4 (MANE Select); coding-DNA position 832, C replaced by T.
Protein change: p.Gln278Ter; replaces glutamine 278 with a stop codon.
Molecular consequence: nonsense. On other transcripts: intron variant (1).
Genome position (GRCh38, 1-based): chr6:26,092,900, C>T. VCF-style: chr6-26092900-C-T. GRCh37 (hg19) VCF-style: chr6-26093128-C-T.
Other names: c.832C>T, p.Gln278Ter (NM_001300749.3, NM_001384164.1); c.823C>T, p.Gln275Ter (NM_001406751.1); c.568C>T, p.Gln190Ter (NM_001406752.1, NM_139007.3); c.514C>T, p.Gln172Ter (NM_139003.3); c.556C>T, p.Gln186Ter (NM_139004.3); c.790C>T, p.Gln264Ter (NM_139006.3); c.526C>T, p.Gln176Ter (NM_139008.3); c.763C>T, p.Gln255Ter (NM_139009.3); and 2 more; short protein forms Q176*, Q255*, Q264*, Q172*, Q186*, Q275*, Q278*, Q190*.
Identifiers: ClinVar variation 2199175 (VCV002199175.4), dbSNP rs2481621832, ClinGen allele CA363208484.